The following is an entry in ClinVar:

ClinVar aggregate classification (germline): Uncertain significance (1 of 4 stars; one submission).

Conditions:
Baller-Gerold syndrome (BGS). Also called: CRANIOSYNOSTOSIS WITH RADIAL DEFECTS. Identifiers: Orphanet 1225, MedGen C0265308, MONDO:0009039, OMIM 218600.

Submission:

Labcorp Genetics (formerly Invitae), Labcorp
Classification: Uncertain significance for Baller-Gerold syndrome. Last evaluated: 2019-03-25. Review status: criteria provided, single submitter. Criteria: Invitae Variant Classification Sherloc (09022015). Collection method: clinical testing. Allele origin: germline.
Comment: This variant has not been reported in the literature in individuals with RECQL4-related conditions. This sequence change replaces histidine with aspartic acid at codon 1036 of the RECQL4 protein (p.His1036Asp). The histidine residue is moderately conserved and there is a moderate physicochemical difference between histidine and aspartic acid. This variant is not present in population databases (ExAC no frequency). Algorithms developed to predict the effect of missense changes on protein structure and function are either unavailable or do not agree on the potential impact of this missense change (SIFT: "Tolerated"; PolyPhen-2: "Not Available"; Align-GVGD: "Class C0"). In summary, the available evidence is currently insufficient to determine the role of this variant in disease. Therefore, it has been classified as a Variant of Uncertain Significance.

NM_004260.4(RECQL4):c.3106C>G (p.His1036Asp)

Gene: RECQL4 (RecQ like helicase 4; minus strand). Cytogenetic location: 8q24.3.
Variant type: single nucleotide variant.
Coding change: c.3106C>G on transcript NM_004260.4 (MANE Select); coding-DNA position 3106, C replaced by G.
Protein change: p.His1036Asp; replaces histidine 1036 with aspartic acid.
Molecular consequence: missense variant.
Genome position (GRCh38, 1-based): chr8:144,512,274, G>C on the plus strand (C>G on the coding strand, the complement: RECQL4 is on the minus strand). VCF-style: chr8-144512274-G-C. GRCh37 (hg19) VCF-style: chr8-145737657-G-C.
Other names: short protein forms H1036D.
Identifiers: ClinVar variation 851864 (VCV000851864.5), dbSNP rs1827388895, ClinGen allele CA372670616.